The following is an entry in ClinVar:

ClinVar aggregate classification (germline): Uncertain significance (1 of 4 stars; one submission).

Conditions:
Familial thoracic aortic aneurysm and aortic dissection (TAAD). Also called: Thoracic aortic aneurysms and dissections. Identifiers: Orphanet 91387, MedGen C4707243, MONDO:0019625.

gnomAD v4.1: 2 of 1,614,186 alleles (0.00012%); highest among the groups gnomAD compares: African/African-American, 0.0013%; no homozygotes.

Submission:

Ambry Genetics
Classification: Uncertain significance for Familial thoracic aortic aneurysm and aortic dissection. Last evaluated: 2024-03-19. Review status: criteria provided, single submitter. Criteria: Ambry Variant Classification Scheme 2023. Collection method: clinical testing. Allele origin: germline.
Comment: The p.Y67F variant (also known as c.200A>T), located in coding exon 1 of the TGFB3 gene, results from an A to T substitution at nucleotide position 200. The tyrosine at codon 67 is replaced by phenylalanine, an amino acid with highly similar properties. This amino acid position is conserved. In addition, this alteration is predicted to be tolerated by in silico analysis. Based on the available evidence, the clinical significance of this alteration remains unclear.

NM_003239.5(TGFB3):c.200A>T (p.Tyr67Phe)

Gene: TGFB3 (transforming growth factor beta 3; minus strand). Cytogenetic location: 14q24.3.
Variant type: single nucleotide variant.
Coding change: c.200A>T on transcript NM_003239.5 (MANE Select); coding-DNA position 200, A replaced by T.
Protein change: p.Tyr67Phe; replaces tyrosine 67 with phenylalanine.
Molecular consequence: missense variant.
Genome position (GRCh38, 1-based): chr14:75,980,694, T>A on the plus strand (A>T on the coding strand, the complement: TGFB3 is on the minus strand). VCF-style: chr14-75980694-T-A. GRCh37 (hg19) VCF-style: chr14-76447037-T-A.
Other names: c.200A>T, p.Tyr67Phe (NM_001329938.2, NM_001329939.2); short protein forms Y67F.
Identifiers: ClinVar variation 3325697 (VCV003325697.1).